The following is an entry in ClinVar:

NM_004667.6(HERC2):c.7936C>T (p.Arg2646Trp)

Gene: HERC2 (HECT and RLD domain containing E3 ubiquitin protein ligase 2; minus strand). Cytogenetic location: 15q13.1.
Variant type: single nucleotide variant.
Coding change: c.7936C>T on transcript NM_004667.6 (MANE Select); coding-DNA position 7936, C replaced by T.
Protein change: p.Arg2646Trp; replaces arginine 2646 with tryptophan.
Molecular consequence: missense variant.
Genome position (GRCh38, 1-based): chr15:28,198,453, G>A on the plus strand (C>T on the coding strand, the complement: HERC2 is on the minus strand). VCF-style: chr15-28198453-G-A. GRCh37 (hg19) VCF-style: chr15-28443599-G-A.
Other names: short protein forms R2646W.
Identifiers: ClinVar variation 4688714 (VCV004688714.1).
Genomic context (GRCh38, chr15:28,198,453, plus strand): 5'-CACTCTGATGAGTCACAGATCCCCATTTGTATTTTGGTGTGGTGACAGAGGCTTTGACCC[G>A]CACTTTATCACCAATCTTGATGTGAGAAGAAGAACTTGGTGGAGGATAGCCTACAGATGT-3'
Protein context (NP_004658.3, residues 2636-2656): SSHIKIGDKV[Arg2646Trp]VKASVTTPKY

ClinVar aggregate classification (germline): Uncertain significance (1 of 4 stars; one submission).

gnomAD v4.1: 94 of 1,613,618 alleles (0.0058%); highest among the groups gnomAD compares: East Asian, 0.067%; no homozygotes.

Submission:

Women's Health and Genetics/Laboratory Corporation of America, LabCorp
Classification: Uncertain significance. Last evaluated: 2025-12-01. Review status: criteria provided, single submitter. Criteria: LabCorp Variant Classification Summary - May 2015. Collection method: clinical testing. Allele origin: germline.
Comment: Variant summary: HERC2 c.7936C>T (p.Arg2646Trp) results in a non-conservative amino acid change in the encoded protein sequence. Algorithms developed to predict the effect of missense changes on protein structure and function are either unavailable or do not agree on the potential impact of this missense change. The variant allele was found at a frequency of 3.2e-05 in 251298 control chromosomes. The available data on variant occurrences in the general population are insufficient to allow any conclusion about variant significance. To our knowledge, no occurrence of c.7936C>T in individuals affected with HERC2-related conditions and no experimental evidence demonstrating its impact on protein function have been reported. No submitters have cited clinical-significance assessments for this variant to ClinVar. Based on the evidence outlined above, the variant was classified as uncertain significance.